The following is an entry in ClinVar:

ClinVar aggregate classification (germline): Uncertain significance (1 of 4 stars; one submission).

Conditions:
Primary ciliary dyskinesia. Also called: Ciliary dyskinesia. Identifiers: Orphanet 244, MedGen C0008780, MONDO:0016575, HP:0012265.

Submission:

Labcorp Genetics (formerly Invitae), Labcorp
Classification: Uncertain significance for Primary ciliary dyskinesia. Last evaluated: 2025-03-05. Review status: criteria provided, single submitter. Criteria: Invitae Variant Classification Sherloc (09022015). Collection method: clinical testing. Allele origin: germline.
Comment: This sequence change replaces glycine, which is neutral and non-polar, with glutamic acid, which is acidic and polar, at codon 871 of the RPGR (ORF15) protein (p.Gly871Glu). The frequency data for this variant in the population databases is considered unreliable, as metrics indicate poor data quality at this position in the gnomAD database. This variant has not been reported in the literature in individuals affected with RPGR (ORF15)-related conditions. ClinVar contains an entry for this variant (Variation ID: 2182024). Invitae Evidence Modeling of protein sequence and biophysical properties (such as structural, functional, and spatial information, amino acid conservation, physicochemical variation, residue mobility, and thermodynamic stability) indicates that this missense variant is not expected to disrupt RPGR (ORF15) protein function with a negative predictive value of 95%. In summary, the available evidence is currently insufficient to determine the role of this variant in disease. Therefore, it has been classified as a Variant of Uncertain Significance.

NM_001034853.2(RPGR):c.2612G>A (p.Gly871Glu)

Gene: RPGR (retinitis pigmentosa GTPase regulator; minus strand). Cytogenetic location: Xp11.4.
Variant type: single nucleotide variant.
Coding change: c.2612G>A on transcript NM_001034853.2 (MANE Select); coding-DNA position 2612, G replaced by A.
Protein change: p.Gly871Glu; replaces glycine 871 with glutamic acid.
Molecular consequence: missense variant. On other transcripts: intron variant (8).
Genome position (GRCh38, 1-based): chrX:38,286,387, C>T on the plus strand (G>A on the coding strand, the complement: RPGR is on the minus strand). VCF-style: chrX-38286387-C-T. GRCh37 (hg19) VCF-style: chrX-38145640-C-T.
Other names: c.1569+4572G>A (NM_001367249.1, NM_001367250.1); c.1902+707G>A (NM_001367245.1); c.1386+4572G>A (NM_001367251.1); c.1719+707G>A (NM_001367246.1); c.1572+4572G>A (NM_001367247.1); c.1905+707G>A (NM_000328.3); c.1602+4572G>A (NM_001367248.1); short protein forms G871E.
Identifiers: ClinVar variation 2182024 (VCV002182024.4), dbSNP rs1279895966, ClinGen allele CA412730225.